The following is an entry in ClinVar:

ClinVar aggregate classification (germline): Uncertain significance. Review status: criteria provided, multiple submitters, no conflicts (2 of 4 stars). 6 submissions from 6 submitters: Uncertain significance (6). Last evaluated 2025-09-06.

Conditions:
Hereditary cancer-predisposing syndrome. Also called: Neoplastic Syndromes, Hereditary; Tumor predisposition; Hereditary neoplastic syndrome; Hereditary Cancer Syndrome. Identifiers: Orphanet 140162, MedGen C0027672, MeSH D009386, MONDO:0015356.
Familial adenomatous polyposis 1 (FAP1). Also called: FAMILIAL ADENOMATOUS POLYPOSIS 1, ATTENUATED; POLYPOSIS, ADENOMATOUS INTESTINAL. Identifiers: MedGen C2713442, MONDO:0021056, OMIM 175100. Disease mechanism: loss of function.

Allele frequency attached by ClinVar (database versions not stated): gnomAD exomes below 0.00001.
gnomAD v4.1: 1 of 1,614,044 alleles (0.000062%); highest among the groups gnomAD compares: Admixed American, 0.0017%; no homozygotes.

Submissions (6):

Ambry Genetics
Classification: Uncertain significance for Hereditary cancer-predisposing syndrome. Last evaluated: 2025-09-06. Review status: criteria provided, single submitter. Criteria: Ambry Variant Classification Scheme 2023. Collection method: clinical testing. Allele origin: germline.
Comment: The p.P2261S variant (also known as c.6781C>T), located in coding exon 15 of the APC gene, results from a C to T substitution at nucleotide position 6781. The proline at codon 2261 is replaced by serine, an amino acid with similar properties. This amino acid position is highly conserved in available vertebrate species. In addition, in silico predictors for this gene do not accurately predict pathogenicity. Since supporting evidence is limited at this time, the clinical significance of this alteration remains unclear.

Quest Diagnostics Nichols Institute San Juan Capistrano
Classification: Uncertain significance. Last evaluated: 2025-05-28. Review status: criteria provided, single submitter. Criteria: Quest Diagnostics criteria. Collection method: clinical testing. Allele origin: unknown.
Comment: The APC c.6781C>T (p.Pro2261Ser) variant has not been reported germline in individuals with APC-related conditions in the published literature. The frequency of this variant in the general population (Genome Aggregation Database) is uninformative in the assessment of its pathogenicity. Analysis of this variant using bioinformatics tools for the prediction of the effect of amino acid changes on protein structure and function yielded predictions that this variant is damaging. Based on the available information, we are unable to determine the clinical significance of this variant.

Labcorp Genetics (formerly Invitae), Labcorp
Classification: Uncertain significance for Familial adenomatous polyposis 1. Last evaluated: 2025-05-05. Review status: criteria provided, single submitter. Criteria: Invitae Variant Classification Sherloc (09022015). Collection method: clinical testing. Allele origin: germline.
Comment: This sequence change replaces proline, which is neutral and non-polar, with serine, which is neutral and polar, at codon 2261 of the APC protein (p.Pro2261Ser). This variant is present in population databases (no rsID available, gnomAD 0.003%). This variant has not been reported in the literature in individuals affected with APC-related conditions. ClinVar contains an entry for this variant (Variation ID: 581185). Invitae Evidence Modeling of protein sequence and biophysical properties (such as structural, functional, and spatial information, amino acid conservation, physicochemical variation, residue mobility, and thermodynamic stability) indicates that this missense variant is not expected to disrupt APC protein function with a negative predictive value of 95%. In summary, the available evidence is currently insufficient to determine the role of this variant in disease. Therefore, it has been classified as a Variant of Uncertain Significance.

Women's Health and Genetics/Laboratory Corporation of America, LabCorp
Classification: Uncertain significance. Last evaluated: 2025-01-27. Review status: criteria provided, single submitter. Criteria: LabCorp Variant Classification Summary - May 2015. Collection method: clinical testing. Allele origin: germline.

Color Diagnostics, LLC DBA Color Health
Classification: Uncertain significance for Hereditary cancer-predisposing syndrome. Last evaluated: 2023-05-23. Review status: criteria provided, single submitter. Criteria: ACMG Guidelines, 2015. Collection method: clinical testing. Allele origin: germline.
Comment: This missense variant replaces proline with serine at codon 2261 of the APC protein. Computational prediction is inconclusive regarding the impact of this variant on protein structure and function (internally defined REVEL score threshold 0.5 < inconclusive < 0.7, PMID: 27666373). To our knowledge, functional studies have not been reported for this variant. This variant has not been reported in individuals affected with APC-related disorders in the literature. This variant has been identified in 1/251062 chromosomes in the general population by the Genome Aggregation Database (gnomAD). The available evidence is insufficient to determine the role of this variant in disease conclusively. Therefore, this variant is classified as a Variant of Uncertain Significance.

Sema4
Classification: Uncertain significance for Hereditary cancer-predisposing syndrome. Last evaluated: 2021-11-15. Review status: criteria provided, single submitter. Criteria: Sema4 Curation Guidelines. Collection method: curation. Allele origin: germline.
Comment: The APC c.6781C>T (p.P2261S) variant has not been reported in the literature to our knowledge. It was observed in 1/251062 chromosomes in the large and broad cohorts of the Genome Aggregation Database (PMID: 32461654), and has been reported in ClinVar (Variation ID 581185). Functional studies have not been performed, and in silico predictions of the variant's effect on protein function are inconclusive. The evidence is insufficient to meet ACMG/AMP criteria for classifying the variant as benign or pathogenic. Thus, the clinical significance of this variant is currently uncertain.

Literature cited by the submitters: PubMed 29245953 (cited by Quest Diagnostics Nichols Institute San Juan Capistrano).

NM_000038.6(APC):c.6781C>T (p.Pro2261Ser)

Gene: APC (APC regulator of Wnt signaling pathway; plus strand). Cytogenetic location: 5q22.2.
Variant type: single nucleotide variant.
Coding change: c.6781C>T on transcript NM_000038.6 (MANE Select); coding-DNA position 6781, C replaced by T.
Protein change: p.Pro2261Ser; replaces proline 2261 with serine.
Molecular consequence: missense variant.
Genome position (GRCh38, 1-based): chr5:112,842,375, C>T. VCF-style: chr5-112842375-C-T. GRCh37 (hg19) VCF-style: chr5-112178072-C-T.
Other names: c.6781C>T, p.Pro2261Ser (NM_001127510.3, NM_001354895.2); c.6727C>T, p.Pro2243Ser (NM_001127511.3); c.6835C>T, p.Pro2279Ser (NM_001354896.2); c.6811C>T, p.Pro2271Ser (NM_001354897.2); c.6706C>T, p.Pro2236Ser (NM_001354898.2); c.6697C>T, p.Pro2233Ser (NM_001354899.2); c.6658C>T, p.Pro2220Ser (NM_001354900.2); c.6604C>T, p.Pro2202Ser (NM_001354901.2); and 5 more; short protein forms P2243S, P2261S, P1978S, P2160S, P2135S, P2233S, P2271S, P2170S.
Identifiers: ClinVar variation 581185 (VCV000581185.25), dbSNP rs1370948333, ClinGen allele CA16036143.